The following is an entry in ClinVar:

ClinVar aggregate classification (germline): Uncertain significance (1 of 4 stars; one submission).

Conditions:
Ullrich congenital muscular dystrophy 2 (UCMD2). Identifiers: Orphanet 75840, MedGen C4225314, MONDO:0014654, OMIM 616470.
Bethlem myopathy 2 (BTHLM2). Identifiers: Orphanet 536516, Orphanet 610, MedGen C4225313, MONDO:0034022, OMIM 616471.

gnomAD v4.1: 1 of 1,608,258 alleles (0.000062%); highest among the groups gnomAD compares: Non-Finnish European, 0.000085%; no homozygotes.

Submission:

Labcorp Genetics (formerly Invitae), Labcorp
Classification: Uncertain significance for Bethlem myopathy 2; Ullrich congenital muscular dystrophy 2. Last evaluated: 2024-07-21. Review status: criteria provided, single submitter. Criteria: Invitae Variant Classification Sherloc (09022015). Collection method: clinical testing. Allele origin: germline.
Comment: This sequence change replaces threonine, which is neutral and polar, with isoleucine, which is neutral and non-polar, at codon 2565 of the COL12A1 protein (p.Thr2565Ile). This variant is not present in population databases (gnomAD no frequency). This variant has not been reported in the literature in individuals affected with COL12A1-related conditions. Advanced modeling of protein sequence and biophysical properties (such as structural, functional, and spatial information, amino acid conservation, physicochemical variation, residue mobility, and thermodynamic stability) performed at Invitae indicates that this missense variant is not expected to disrupt COL12A1 protein function with a negative predictive value of 80%. In summary, the available evidence is currently insufficient to determine the role of this variant in disease. Therefore, it has been classified as a Variant of Uncertain Significance.

NM_004370.6(COL12A1):c.7694C>T (p.Thr2565Ile)

Gene: COL12A1 (collagen type XII alpha 1 chain; minus strand). Cytogenetic location: 6q13.
Variant type: single nucleotide variant.
Coding change: c.7694C>T on transcript NM_004370.6 (MANE Select); coding-DNA position 7694, C replaced by T.
Protein change: p.Thr2565Ile; replaces threonine 2565 with isoleucine.
Molecular consequence: missense variant.
Genome position (GRCh38, 1-based): chr6:75,115,787, G>A on the plus strand (C>T on the coding strand, the complement: COL12A1 is on the minus strand). VCF-style: chr6-75115787-G-A. GRCh37 (hg19) VCF-style: chr6-75825503-G-A.
Other names: c.7694C>T, p.Thr2565Ile (NM_001424113.1); c.7673C>T, p.Thr2558Ile (NM_001424114.1); c.7421C>T, p.Thr2474Ile (NM_001424115.1); c.4202C>T, p.Thr1401Ile (NM_001424116.1, NM_080645.3); short protein forms T1401I, T2474I, T2558I, T2565I.
Identifiers: ClinVar variation 3760621 (VCV003760621.2).